The following is an entry in ClinVar:

ClinVar aggregate classification (germline): Uncertain significance (1 of 4 stars; one submission).

Allele frequency attached by ClinVar (database versions not stated): ExAC 0.00001; TOPMed 0.00001; gnomAD exomes 0.00002.
gnomAD v4.1: 16 of 1,613,866 alleles (0.00099%); highest among the groups gnomAD compares: Non-Finnish European, 0.00051%; no homozygotes.

Submission:

GeneDx
Classification: Uncertain significance. Last evaluated: 2017-09-06. Review status: criteria provided, single submitter. Criteria: GeneDx Variant Classification (06012015). Collection method: clinical testing. Allele origin: germline. Affected: yes.
Comment: A variant of uncertain significance has been identified in the MURC gene. The I54T variant has not been published as pathogenic or been reported as benign to our knowledge. This variant is not observed at a significant frequency in large population cohorts (Lek et al., 2016; 1000 Genomes Consortium et al., 2015; Exome Variant Server). The I54T variant is a non-conservative amino acid substitution, which is likely to impact secondary protein structure as these residues differ in polarity, charge, size and/or other properties. In silico analysis predicts this variant is probably damaging to the protein structure/function. However, this substitution occurs at a position where amino acids with similar properties to isoleucine (I) are tolerated across species.

NM_001018116.2(CAVIN4):c.161T>C (p.Ile54Thr)

Gene: CAVIN4 (caveolae associated protein 4; plus strand). Cytogenetic location: 9q31.1.
Variant type: single nucleotide variant.
Coding change: c.161T>C on transcript NM_001018116.2 (MANE Select); coding-DNA position 161, T replaced by C.
Protein change: p.Ile54Thr; replaces isoleucine 54 with threonine.
Molecular consequence: missense variant.
Genome position (GRCh38, 1-based): chr9:100,578,304, T>C. VCF-style: chr9-100578304-T-C. GRCh37 (hg19) VCF-style: chr9-103340586-T-C.
Other names: c.161T>C, p.Ile54Thr (LRG_760t1); short protein forms I54T.
Identifiers: ClinVar variation 451868 (VCV000451868.2), dbSNP rs753524431, ClinGen allele CA5159996.